The following is an entry in ClinVar:

ClinVar aggregate classification (germline): Uncertain significance. Review status: criteria provided, multiple submitters, no conflicts (2 of 4 stars). 2 submissions from 2 submitters: Uncertain significance (2). Last evaluated 2024-03-19.

Conditions:
Inborn genetic diseases. Identifiers: MedGen C0950123, MeSH D030342.

Allele frequency attached by ClinVar (database versions not stated): gnomAD exomes 0.00001; TOPMed 0.00001; gnomAD 0.00002.

Submissions (2):

Ambry Genetics
Classification: Uncertain significance for Inborn genetic diseases. Last evaluated: 2024-03-19. Review status: criteria provided, single submitter. Criteria: Ambry Variant Classification Scheme 2023. Collection method: clinical testing. Allele origin: germline.

GeneDx
Classification: Uncertain significance. Last evaluated: 2023-12-20. Review status: criteria provided, single submitter. Criteria: GeneDx Variant Classification Process June 2021. Collection method: clinical testing. Allele origin: germline. Affected: yes.
Comment: Not observed at significant frequency in large population cohorts (gnomAD); In silico analysis supports that this missense variant does not alter protein structure/function; Has not been previously published as pathogenic or benign to our knowledge

NM_005886.3(KATNB1):c.1434G>T (p.Gln478His)

Gene: KATNB1 (katanin regulatory subunit B1; plus strand). Cytogenetic location: 16q21.
Variant type: single nucleotide variant.
Coding change: c.1434G>T on transcript NM_005886.3 (MANE Select); coding-DNA position 1434, G replaced by T.
Protein change: p.Gln478His; replaces glutamine 478 with histidine.
Molecular consequence: missense variant.
Genome position (GRCh38, 1-based): chr16:57,755,362, G>T. VCF-style: chr16-57755362-G-T. GRCh37 (hg19) VCF-style: chr16-57789274-G-T.
Other names: short protein forms Q478H.
Identifiers: ClinVar variation 2575744 (VCV002575744.3), dbSNP rs1468847705, ClinGen allele CA396072724.